The following is an entry in ClinVar:

NM_020975.6(RET):c.155A>C (p.Tyr52Ser)

Gene: RET (ret proto-oncogene; plus strand). Cytogenetic location: 10q11.21.
Variant type: single nucleotide variant.
Coding change: c.155A>C on transcript NM_020975.6 (MANE Select); coding-DNA position 155, A replaced by C.
Protein change: p.Tyr52Ser; replaces tyrosine 52 with serine.
Molecular consequence: missense variant. On other transcripts: intron variant (4).
Genome position (GRCh38, 1-based): chr10:43,100,540, A>C. VCF-style: chr10-43100540-A-C. GRCh37 (hg19) VCF-style: chr10-43595988-A-C.
Other names: c.155A>C, p.Tyr52Ser (NM_000323.2, NM_001406743.1, NM_001406744.1 and 34 more transcripts); c.74-8491A>C (NM_001406784.1); c.74-11559A>C (NM_001406794.1, NM_001406792.1, NM_001406793.1); short protein forms Y52S.
Identifiers: ClinVar variation 3227510 (VCV003227510.1), dbSNP rs2132659300, ClinGen allele CA376770209.

ClinVar aggregate classification (germline): Uncertain significance (1 of 4 stars; one submission).

Conditions:
Hereditary cancer-predisposing syndrome. Also called: Neoplastic Syndromes, Hereditary; Tumor predisposition; Hereditary neoplastic syndrome; Hereditary Cancer Syndrome. Identifiers: Orphanet 140162, MedGen C0027672, MeSH D009386, MONDO:0015356.

Submission:

Ambry Genetics
Classification: Uncertain significance for Hereditary cancer-predisposing syndrome. Last evaluated: 2023-12-11. Review status: criteria provided, single submitter. Criteria: Ambry Variant Classification Scheme 2023. Collection method: clinical testing. Allele origin: germline.
Comment: The p.Y52S variant (also known as c.155A>C), located in coding exon 2 of the RET gene, results from an A to C substitution at nucleotide position 155. The tyrosine at codon 52 is replaced by serine, an amino acid with dissimilar properties. This amino acid position is conserved. In addition, the in silico prediction for this alteration is inconclusive. Since supporting evidence is limited at this time, the clinical significance of this alteration remains unclear.